The following is an entry in ClinVar:

NM_138702.1(MAGEC3):c.124-3T>C

Gene: MAGEC3 (MAGE family member C3; plus strand). Cytogenetic location: Xq27.2.
Variant type: single nucleotide variant.
Coding change: c.124-3T>C on transcript NM_138702.1 (MANE Select); 3 bases into the intron before coding-DNA position 124, T replaced by C.
Molecular consequence: intron variant.
Genome position (GRCh38, 1-based): chrX:141,865,468, T>C. VCF-style: chrX-141865468-T-C. GRCh37 (hg19) VCF-style: chrX-140953254-T-C.
Identifiers: ClinVar variation 2661551 (VCV002661551.24), dbSNP rs200883685, ClinGen allele CA10532468.

ClinVar aggregate classification (germline): Likely benign (1 of 4 stars; one submission).

Allele frequency attached by ClinVar (database versions not stated): TOPMed 0.00013; gnomAD exomes 0.00018; ESP Exome Variant Server 0.00019; gnomAD 0.00022; ExAC 0.00032.
gnomAD v4.1: 214 of 1,204,703 alleles (0.018%); highest among the groups gnomAD compares: Non-Finnish European, 0.023%; no homozygotes.

Submission:

CeGaT Center for Human Genetics Tuebingen
Classification: Likely benign. Last evaluated: 2023-03-01. Review status: criteria provided, single submitter. Criteria: CeGaT Center For Human Genetics Tuebingen Variant Classification Criteria Version 2. Collection method: clinical testing. Allele origin: germline. Affected: yes. Observed: 2 variant alleles.
Comment: MAGEC3: BP4, BS2